The following is an entry in ClinVar:

ClinVar aggregate classification (germline): Benign. Review status: criteria provided, multiple submitters, no conflicts (2 of 4 stars). 3 submissions from 3 submitters: Benign (3). Last evaluated 2026-07-01.

Allele frequency attached by ClinVar (database versions not stated): 1000 Genomes Project 0.00539; 1000 Genomes Project 30x 0.00578; gnomAD 0.01024 and 0.01061; ESP Exome Variant Server 0.01031; TOPMed 0.01119.
gnomAD v4.1: 20,502 of 1,607,526 alleles (1.3%); highest among the groups gnomAD compares: Middle Eastern, 2%; 168 homozygotes.

Submissions (3):

CeGaT Center for Human Genetics Tuebingen
Classification: Benign. Last evaluated: 2026-07-01. Review status: criteria provided, single submitter. Criteria: CeGaT Center For Human Genetics Tuebingen Variant Classification Criteria Version 2. Collection method: clinical testing. Allele origin: germline. Affected: yes. Observed: 6 variant alleles.
Comment: JPH3: BP4, BP7, BS1, BS2

Labcorp Genetics (formerly Invitae), Labcorp
Classification: Benign. Last evaluated: 2019-12-31. Review status: criteria provided, single submitter. Criteria: Invitae Variant Classification Sherloc (09022015). Collection method: clinical testing. Allele origin: germline.

Breakthrough Genomics
Classification: Benign. Review status: criteria provided, single submitter. Criteria: ACMG Guidelines, 2015. Collection method: not provided. Allele origin: germline. Inheritance: Autosomal dominant inheritance. Affected: yes.

NM_020655.4(JPH3):c.843C>T (p.Asp281=)

Gene: JPH3 (junctophilin 3; plus strand). Cytogenetic location: 16q24.2.
Variant type: single nucleotide variant.
Coding change: c.843C>T on transcript NM_020655.4 (MANE Select); coding-DNA position 843, C replaced by T.
Protein change: p.Asp281=; no amino-acid change (aspartic acid 281 retained).
Molecular consequence: synonymous variant. On other transcripts: non-coding transcript variant (1).
Genome position (GRCh38, 1-based): chr16:87,644,718, C>T. VCF-style: chr16-87644718-C-T. GRCh37 (hg19) VCF-style: chr16-87678324-C-T.
Identifiers: ClinVar variation 786836 (VCV000786836.18), dbSNP rs61737926, ClinGen allele CA8220865.